The following is an entry in ClinVar:

ClinVar aggregate classification (germline): Uncertain significance. Review status: criteria provided, multiple submitters, no conflicts (2 of 4 stars). 5 submissions from 5 submitters: Uncertain significance (5). Last evaluated 2025-07-24.

Conditions:
Inborn genetic diseases. Identifiers: MedGen C0950123, MeSH D030342.
Autosomal recessive nonsyndromic hearing loss 3. Also called: NEUROSENSORY NONSYNDROMIC RECESSIVE DEAFNESS 3. Identifiers: Orphanet 90636, MedGen C1838263, MONDO:0010860, OMIM 600316.

Allele frequency attached by ClinVar (database versions not stated): ExAC 0.00013; gnomAD exomes 0.00016 and 0.00006; TOPMed 0.00016; gnomAD 0.00007 and 0.00009.
gnomAD v4.1: 104 of 1,613,992 alleles (0.0064%); highest among the groups gnomAD compares: Admixed American, 0.065%; no homozygotes.

Submissions (5):

GeneDx
Classification: Uncertain significance. Last evaluated: 2025-07-24. Review status: criteria provided, single submitter. Criteria: GeneDx Variant Classification Process June 2021. Collection method: clinical testing. Allele origin: germline. Affected: yes.
Comment: In silico analysis supports that this missense variant has a deleterious effect on protein structure/function; Has not been previously published as pathogenic or benign to our knowledge

Ambry Genetics
Classification: Uncertain significance for Inborn genetic diseases. Last evaluated: 2025-01-18. Review status: criteria provided, single submitter. Criteria: Ambry Variant Classification Scheme 2023. Collection method: clinical testing. Allele origin: germline.

Blueprint Genetics
Classification: Uncertain significance. Last evaluated: 2024-03-07. Review status: criteria provided, single submitter. Criteria: ACMG Guidelines, 2015. Collection method: clinical testing. Allele origin: germline.

Labcorp Genetics (formerly Invitae), Labcorp
Classification: Uncertain significance. Last evaluated: 2022-10-13. Review status: criteria provided, single submitter. Criteria: Invitae Variant Classification Sherloc (09022015). Collection method: clinical testing. Allele origin: germline.
Comment: This sequence change replaces arginine, which is basic and polar, with histidine, which is basic and polar, at codon 3222 of the MYO15A protein (p.Arg3222His). This variant is present in population databases (rs201712137, gnomAD 0.08%). This variant has not been reported in the literature in individuals affected with MYO15A-related conditions. ClinVar contains an entry for this variant (Variation ID: 322178). Advanced modeling of protein sequence and biophysical properties (such as structural, functional, and spatial information, amino acid conservation, physicochemical variation, residue mobility, and thermodynamic stability) has been performed at Invitae for this missense variant, however the output from this modeling did not meet the statistical confidence thresholds required to predict the impact of this variant on MYO15A protein function. In summary, the available evidence is currently insufficient to determine the role of this variant in disease. Therefore, it has been classified as a Variant of Uncertain Significance.

Illumina Laboratory Services, Illumina
Classification: Uncertain significance for Autosomal recessive nonsyndromic hearing loss 3. Last evaluated: 2018-01-13. Review status: criteria provided, single submitter. Criteria: ICSL Variant Classification Criteria 13 December 2019. Collection method: clinical testing. Allele origin: germline.

NM_016239.4(MYO15A):c.9665G>A (p.Arg3222His)

Gene: MYO15A (myosin XVA; plus strand). Cytogenetic location: 17p11.2.
Variant type: single nucleotide variant.
Coding change: c.9665G>A on transcript NM_016239.4 (MANE Select); coding-DNA position 9665, G replaced by A.
Protein change: p.Arg3222His; replaces arginine 3222 with histidine.
Molecular consequence: missense variant.
Genome position (GRCh38, 1-based): chr17:18,163,296, G>A. VCF-style: chr17-18163296-G-A. GRCh37 (hg19) VCF-style: chr17-18066610-G-A.
Other names: short protein forms R3222H.
Identifiers: ClinVar variation 322178 (VCV000322178.11), dbSNP rs201712137, ClinGen allele CA8425631.
Genomic context (GRCh38, chr17:18,163,296, plus strand): 5'-TACCCCAGGCAGGCCGCAGTTCCAAGAGGCAACTCTTTCTTCTTCCTGGAGGCCTTGAAC[G>A]CCATCTCAAAATCAAAACATGCACTGTAAGTGAAGAAATGTCTCCTGCAGCCAGGTACTG-3'
Protein context (NP_057323.3, residues 3212-3232): QLFLLPGGLE[Arg3222His]HLKIKTCTVA